The following is an entry in ClinVar:

NM_001127222.2(CACNA1A):c.6659ACC[6] (p.His2219_Pro2220insHisHisHisHisHisHis)

Gene: CACNA1A (calcium voltage-gated channel subunit alpha1 A; minus strand). Cytogenetic location: 19p13.13.
Variant type: Microsatellite.
Coding change: c.6659ACC[6] on transcript NM_001127222.2 (MANE Select); six copies in a row of the 3-base unit ACC starting at c.6659.
Protein change: p.His2219_Pro2220insHisHisHisHisHisHis.
Molecular consequence: inframe insertion.
Genome position: GRCh38 VCF-style: chr19-13208877-G-GGGTGGTGGTGGTGGTGGT. GRCh37 (hg19) VCF-style: chr19-13319691-G-GGGTGGTGGTGGTGGTGGT.
Other names: c.6677ACC[6], p.His2225_Pro2226insHisHisHisHisHisHis (NM_000068.4, NM_023035.3); c.6662ACC[6], p.His2220_Pro2221insHisHisHisHisHisHis (NM_001127221.2); c.6668ACC[6], p.His2222_Pro2223insHisHisHisHisHisHis (NM_001174080.2).
Identifiers: ClinVar variation 2091608 (VCV002091608.4), dbSNP rs768950814, ClinGen allele CA2580613068.
Genomic context (GRCh38, chr19:13,208,877, plus strand): 5'-GCCCGTGCCCGGCCGTGGTCCGGCCGTTCCTGGGCATAGCGGTCCTTGTCGGGGGGCGGG[G>GGGTGGTGGTGGTGGTGGT]GATGGTGGTGGTGGTGGTGGTGGTGGTGGTGCTGTCGATGCTTCCGATCCTTGGGCCGGC-3'

ClinVar aggregate classification (germline): Uncertain significance (1 of 4 stars; one submission).

Conditions:
Episodic ataxia type 2 (EA2). Also called: ATAXIA, EPISODIC, WITH NYSTAGMUS; ATAXIA, FAMILIAL PAROXYSMAL; CEREBELLAR ATAXIA, PAROXYSMAL, ACETAZOLAMIDE-RESPONSIVE; CEREBELLOPATHY, HEREDITARY PAROXYSMAL; EPISODIC ATAXIA, NYSTAGMUS-ASSOCIATED; ACETAZOLAMIDE-RESPONSIVE HEREDITARY PAROXYSMAL CEREBELLAR ATAXIA. Identifiers: Orphanet 97, MedGen C1720416, MONDO:0007163, OMIM 108500.
Developmental and epileptic encephalopathy, 42 (DEE42A). Also called: Epileptic encephalopathy, early infantile, 42; DEVELOPMENTAL AND EPILEPTIC ENCEPHALOPATHY 42A; EPILEPTIC ENCEPHALOPATHY, EARLY INFANTILE, 42A. Identifiers: MedGen C4310716, MONDO:0014917, OMIM 617106.

Submission:

Labcorp Genetics (formerly Invitae), Labcorp
Classification: Uncertain significance for Developmental and epileptic encephalopathy, 42; Episodic ataxia type 2. Last evaluated: 2022-03-27. Review status: criteria provided, single submitter. Criteria: Invitae Variant Classification Sherloc (09022015). Collection method: clinical testing. Allele origin: germline.
Comment: In summary, the available evidence is currently insufficient to determine the role of this variant in disease. Therefore, it has been classified as a Variant of Uncertain Significance. This variant has not been reported in the literature in individuals affected with CACNA1A-related conditions. This variant is not present in population databases (gnomAD no frequency). This variant, c.6661_6662insACCACCACCACCACCACC, results in the insertion of 6 amino acid(s) of the CACNA1A protein (p.His2215_His2220dup), but otherwise preserves the integrity of the reading frame.